The following is an entry in ClinVar:

ClinVar aggregate classification (germline): Uncertain significance. Review status: criteria provided, multiple submitters, no conflicts (2 of 4 stars). 2 submissions from 2 submitters: Uncertain significance (2). Last evaluated 2026-04-28.

Conditions:
Hereditary cancer-predisposing syndrome. Also called: Neoplastic Syndromes, Hereditary; Tumor predisposition; Hereditary Cancer Syndrome; Hereditary neoplastic syndrome. Identifiers: Orphanet 140162, MedGen C0027672, MeSH D009386, MONDO:0015356.

Submissions (2):

Ambry Genetics
Classification: Uncertain significance for Hereditary cancer-predisposing syndrome. Last evaluated: 2026-04-28. Review status: criteria provided, single submitter. Criteria: Ambry Variant Classification Scheme 2023. Collection method: clinical testing. Allele origin: germline.
Comment: The p.G780R variant (also known as c.2338G>C), located in coding exon 9 of the MET gene, results from a G to C substitution at nucleotide position 2338. The glycine at codon 780 is replaced by arginine, an amino acid with dissimilar properties. This amino acid position is conserved. In addition, the in silico prediction for this alteration is inconclusive. Based on the available evidence, the clinical significance of this variant remains unclear.

GeneDx
Classification: Uncertain significance. Last evaluated: 2021-01-07. Review status: criteria provided, single submitter. Criteria: GeneDx Variant Classification Process June 2021. Collection method: clinical testing. Allele origin: germline. Affected: yes.
Comment: Not observed in large population cohorts (Lek 2016); In silico analysis supports that this missense variant does not alter protein structure/function; Has not been previously published as pathogenic or benign to our knowledge

NM_000245.4(MET):c.2284G>C (p.Gly762Arg)

Gene: MET (MET proto-oncogene, receptor tyrosine kinase; plus strand). Cytogenetic location: 7q31.2.
Variant type: single nucleotide variant.
Coding change: c.2284G>C on transcript NM_000245.4 (MANE Select); coding-DNA position 2284, G replaced by C.
Protein change: p.Gly762Arg; replaces glycine 762 with arginine.
Molecular consequence: missense variant.
Genome position (GRCh38, 1-based): chr7:116,759,410, G>C. VCF-style: chr7-116759410-G-C. GRCh37 (hg19) VCF-style: chr7-116399464-G-C.
Other names: c.2338G>C, p.Gly780Arg (NM_001127500.3); c.2284G>C, p.Gly762Arg (NM_001324401.3); c.994G>C, p.Gly332Arg (NM_001324402.2); short protein forms G332R, G762R, G780R.
Identifiers: ClinVar variation 1318557 (VCV001318557.3), dbSNP rs1794310272, ClinGen allele CA368982018.